The following is an entry in ClinVar:

NM_001080414.4(CCDC88C):c.1150G>C (p.Glu384Gln)

Gene: CCDC88C (coiled-coil and HOOK domain protein 88C; minus strand). Cytogenetic location: 14q32.11.
Variant type: single nucleotide variant.
Coding change: c.1150G>C on transcript NM_001080414.4 (MANE Select); coding-DNA position 1150, G replaced by C.
Protein change: p.Glu384Gln; replaces glutamic acid 384 with glutamine.
Molecular consequence: missense variant. On other transcripts: non-coding transcript variant (2).
Genome position (GRCh38, 1-based): chr14:91,325,957, C>G on the plus strand (G>C on the coding strand, the complement: CCDC88C is on the minus strand). VCF-style: chr14-91325957-C-G. GRCh37 (hg19) VCF-style: chr14-91792301-C-G.
Other names: short protein forms E384Q.
Identifiers: ClinVar variation 3631612 (VCV003631612.2).

ClinVar aggregate classification (germline): Uncertain significance (1 of 4 stars; one submission).

gnomAD v4.1: 2 of 1,564,714 alleles (0.00013%); highest among the groups gnomAD compares: Non-Finnish European, 0.000087%; no homozygotes.

Submission:

Labcorp Genetics (formerly Invitae), Labcorp
Classification: Uncertain significance. Last evaluated: 2024-10-16. Review status: criteria provided, single submitter. Criteria: Invitae Variant Classification Sherloc (09022015). Collection method: clinical testing. Allele origin: germline.
Comment: This sequence change replaces glutamic acid, which is acidic and polar, with glutamine, which is neutral and polar, at codon 384 of the CCDC88C protein (p.Glu384Gln). This variant is not present in population databases (gnomAD no frequency). This variant has not been reported in the literature in individuals affected with CCDC88C-related conditions. An algorithm developed to predict the effect of missense changes on protein structure and function (PolyPhen-2) suggests that this variant is likely to be disruptive. In summary, the available evidence is currently insufficient to determine the role of this variant in disease. Therefore, it has been classified as a Variant of Uncertain Significance.